The following is an entry in ClinVar:

ClinVar aggregate classification (germline): Uncertain significance (1 of 4 stars; one submission).

Conditions:
Hereditary cancer-predisposing syndrome. Also called: Neoplastic Syndromes, Hereditary; Tumor predisposition; Hereditary Cancer Syndrome; Hereditary neoplastic syndrome. Identifiers: Orphanet 140162, MedGen C0027672, MeSH D009386, MONDO:0015356.

Submission:

Ambry Genetics
Classification: Uncertain significance for Hereditary cancer-predisposing syndrome. Last evaluated: 2026-02-04. Review status: criteria provided, single submitter. Criteria: Ambry Variant Classification Scheme 2023. Collection method: clinical testing. Allele origin: germline.
Comment: The p.V450E variant (also known as c.1349T>A), located in coding exon 4 of the MSH6 gene, results from a T to A substitution at nucleotide position 1349. The valine at codon 450 is replaced by glutamic acid, an amino acid with dissimilar properties. This amino acid position is not well conserved in available vertebrate species. In addition, the in silico prediction for this alteration is inconclusive. Based on the available evidence, the clinical significance of this variant remains unclear.

NM_000179.3(MSH6):c.1349T>A (p.Val450Glu)

Gene: MSH6 (mutS homolog 6; plus strand). Cytogenetic location: 2p16.3.
Variant type: single nucleotide variant.
Coding change: c.1349T>A on transcript NM_000179.3 (MANE Select); coding-DNA position 1349, T replaced by A.
Protein change: p.Val450Glu; replaces valine 450 with glutamic acid.
Molecular consequence: missense variant. On other transcripts: non-coding transcript variant (4), intron variant (1).
Genome position (GRCh38, 1-based): chr2:47,799,332, T>A. VCF-style: chr2-47799332-T-A. GRCh37 (hg19) VCF-style: chr2-48026471-T-A.
Other names: c.824T>A, p.Val275Glu (NM_001406807.1, NM_001406799.1, NM_001406806.1); c.1349T>A, p.Val450Glu (NM_001406808.1, NM_001406809.1, NM_001406817.1 and 4 more transcripts); c.443T>A, p.Val148Glu (NM_001406811.1, NM_001406812.1, NM_001406814.1 and 6 more transcripts); c.1355T>A, p.Val452Glu (NM_001406813.1); c.959T>A, p.Val320Glu (NM_001281492.2); c.1052T>A, p.Val351Glu (NM_001406801.1, NM_001406805.1, NM_001406818.1 and 10 more transcripts); c.1445T>A, p.Val482Glu (NM_001406802.1, NM_001406795.1); c.1271T>A, p.Val424Glu (NM_001406804.1); and 2 more; short protein forms V148E, V320E, V394E, V351E, V424E, V482E, V275E, V450E.
Identifiers: ClinVar variation 4825261 (VCV004825261.1).